The following is an entry in ClinVar:

NM_001283009.2(RTEL1):c.1849G>A (p.Ala617Thr)

Genes: RTEL1 (regulator of telomere elongation helicase 1; plus strand), RTEL1-TNFRSF6B (RTEL1-TNFRSF6B readthrough (NMD candidate); plus strand). Cytogenetic location: 20q13.33.
Variant type: single nucleotide variant.
Coding change: c.1849G>A on transcript NM_001283009.2 (MANE Select); coding-DNA position 1849, G replaced by A.
Protein change: p.Ala617Thr; replaces alanine 617 with threonine.
Molecular consequence: missense variant. On other transcripts: non-coding transcript variant (1).
Genome position (GRCh38, 1-based): chr20:63,689,103, G>A. VCF-style: chr20-63689103-G-A. GRCh37 (hg19) VCF-style: chr20-62320456-G-A.
Other names: c.1180G>A, p.Ala394Thr (NM_001283010.1); c.1849G>A, p.Ala617Thr (NM_016434.4); c.1921G>A, p.Ala641Thr (NM_032957.5); short protein forms A394T, A617T, A641T.
Identifiers: ClinVar variation 4788147 (VCV004788147.3).

ClinVar aggregate classification (germline): Uncertain significance. Review status: criteria provided, multiple submitters, no conflicts (2 of 4 stars). 3 submissions from 3 submitters: Uncertain significance (3). Last evaluated 2025-12-29.

Conditions:
Dyskeratosis congenita, autosomal recessive 5 (DKCB5). Identifiers: MedGen C3554656, MONDO:0014076, OMIM 615190.
Pulmonary fibrosis and/or bone marrow failure, Telomere-related, 3. Also called: PULMONARY FIBROSIS AND/OR BONE MARROW FAILURE SYNDROME, TELOMERE-RELATED, 3. Identifiers: Orphanet 2032, MedGen C4225346, MONDO:0014613, OMIM 616373.
Inborn genetic diseases. Identifiers: MedGen C0950123, MeSH D030342.

gnomAD v4.1: 2 of 1,610,292 alleles (0.00012%); highest among the groups gnomAD compares: South Asian, 0.0011%; no homozygotes.

Submissions (3):

Ambry Genetics
Classification: Uncertain significance for Inborn genetic diseases. Last evaluated: 2025-12-29. Review status: criteria provided, single submitter. Criteria: Ambry Variant Classification Scheme 2023. Collection method: clinical testing. Allele origin: germline.
Comment: The p.A617T variant (also known as c.1849G>A), located in coding exon 21 of the RTEL1 gene, results from a G to A substitution at nucleotide position 1849. The alanine at codon 617 is replaced by threonine, an amino acid with similar properties. This amino acid position is conserved. In addition, this alteration is predicted to be deleterious by in silico analysis. Based on the available evidence, the clinical significance of this variant remains unclear.

Labcorp Genetics (formerly Invitae), Labcorp
Classification: Uncertain significance for Dyskeratosis congenita, autosomal recessive 5; Pulmonary fibrosis and/or bone marrow failure, Telomere-related, 3. Last evaluated: 2025-02-20. Review status: criteria provided, single submitter. Criteria: Invitae Variant Classification Sherloc (09022015). Collection method: clinical testing. Allele origin: germline.
Comment: This sequence change replaces alanine, which is neutral and non-polar, with threonine, which is neutral and polar, at codon 617 of the RTEL1 protein (p.Ala617Thr). This variant is not present in population databases (gnomAD no frequency). This variant has not been reported in the literature in individuals affected with RTEL1-related conditions. An algorithm developed to predict the effect of missense changes on protein structure and function (PolyPhen-2) suggests that this variant is likely to be disruptive. In summary, the available evidence is currently insufficient to determine the role of this variant in disease. Therefore, it has been classified as a Variant of Uncertain Significance.

Blueprint Genetics
Classification: Uncertain significance. Last evaluated: 2019-06-19. Review status: criteria provided, single submitter. Criteria: ACMG Guidelines, 2015. Collection method: clinical testing. Allele origin: germline.